The following is an entry in ClinVar:

ClinVar aggregate classification (germline): Uncertain significance. Review status: criteria provided, multiple submitters, no conflicts (2 of 4 stars). 2 submissions from 2 submitters: Uncertain significance (2). Last evaluated 2025-11-26.

Conditions:
Inborn genetic diseases. Identifiers: MedGen C0950123, MeSH D030342.

Submissions (2):

Ambry Genetics
Classification: Uncertain significance for Inborn genetic diseases. Last evaluated: 2025-11-26. Review status: criteria provided, single submitter. Criteria: Ambry Variant Classification Scheme 2023. Collection method: clinical testing. Allele origin: germline.

Labcorp Genetics (formerly Invitae), Labcorp
Classification: Uncertain significance. Last evaluated: 2024-12-06. Review status: criteria provided, single submitter. Criteria: Invitae Variant Classification Sherloc (09022015). Collection method: clinical testing. Allele origin: germline.
Comment: This sequence change replaces glycine, which is neutral and non-polar, with cysteine, which is neutral and slightly polar, at codon 1437 of the POLR1A protein (p.Gly1437Cys). This variant is present in population databases (rs755579626, gnomAD 0.008%). This variant has not been reported in the literature in individuals affected with POLR1A-related conditions. ClinVar contains an entry for this variant (Variation ID: 2917226). Invitae Evidence Modeling of protein sequence and biophysical properties (such as structural, functional, and spatial information, amino acid conservation, physicochemical variation, residue mobility, and thermodynamic stability) indicates that this missense variant is not expected to disrupt POLR1A protein function with a negative predictive value of 80%. In summary, the available evidence is currently insufficient to determine the role of this variant in disease. Therefore, it has been classified as a Variant of Uncertain Significance.

NM_015425.6(POLR1A):c.4309G>T (p.Gly1437Cys)

Gene: POLR1A (RNA polymerase I subunit A; minus strand). Cytogenetic location: 2p11.2.
Variant type: single nucleotide variant.
Coding change: c.4309G>T on transcript NM_015425.6 (MANE Select); coding-DNA position 4309, G replaced by T.
Protein change: p.Gly1437Cys; replaces glycine 1437 with cysteine.
Molecular consequence: missense variant.
Genome position (GRCh38, 1-based): chr2:86,031,599, C>A on the plus strand (G>T on the coding strand, the complement: POLR1A is on the minus strand). VCF-style: chr2-86031599-C-A. GRCh37 (hg19) VCF-style: chr2-86258722-C-A.
Other names: c.4309G>T (NM_015425.3); short protein forms G1437C.
Identifiers: ClinVar variation 2917226 (VCV002917226.4), dbSNP rs755579626, ClinGen allele CA1745523.